The following is an entry in ClinVar:

ClinVar aggregate classification (germline): Uncertain significance (1 of 4 stars; one submission).

Conditions:
Developmental and epileptic encephalopathy, 41 (DEE41). Also called: Epileptic encephalopathy, early infantile, 41. Identifiers: MedGen C4310717, MONDO:0014916, OMIM 617105.

Submission:

Centre for Mendelian Genomics, University Medical Centre Ljubljana
Classification: Uncertain significance for Developmental and epileptic encephalopathy, 41. Last evaluated: 2020-02-04. Review status: criteria provided, single submitter. Criteria: ACMG Guidelines, 2015. Collection method: clinical testing. Allele origin: unknown. Affected: yes.
Comment: This variant was classified as: Uncertain significance. The available evidence on this variant's pathogenicity is insufficient or conflicting. The following ACMG criteria were applied in classifying this variant: PM2,BP4.

NM_004171.4(SLC1A2):c.609G>C (p.Glu203Asp)

Gene: SLC1A2 (solute carrier family 1 member 2; minus strand). Cytogenetic location: 11p13.
Variant type: single nucleotide variant.
Coding change: c.609G>C on transcript NM_004171.4 (MANE Select); coding-DNA position 609, G replaced by C.
Protein change: p.Glu203Asp; replaces glutamic acid 203 with aspartic acid.
Molecular consequence: missense variant.
Genome position (GRCh38, 1-based): chr11:35,306,195, C>G on the plus strand (G>C on the coding strand, the complement: SLC1A2 is on the minus strand). VCF-style: chr11-35306195-C-G. GRCh37 (hg19) VCF-style: chr11-35327742-C-G.
Other names: c.582G>C, p.Glu194Asp (NM_001195728.3, NM_001252652.2); short protein forms E194D, E203D.
Identifiers: ClinVar variation 930624 (VCV000930624.3), dbSNP rs1851499526, ClinGen allele CA380127937.